The following is an entry in ClinVar:

ClinVar aggregate classification (germline): Uncertain significance (1 of 4 stars; one submission).

Allele frequency attached by ClinVar (database versions not stated): gnomAD exomes 0.00002.
gnomAD v4.1: 31 of 1,614,096 alleles (0.0019%); highest among the groups gnomAD compares: Non-Finnish European, 0.0026%; no homozygotes.

Submission:

Labcorp Genetics (formerly Invitae), Labcorp
Classification: Uncertain significance. Last evaluated: 2025-09-13. Review status: criteria provided, single submitter. Criteria: Invitae Variant Classification Sherloc (09022015). Collection method: clinical testing. Allele origin: germline.
Comment: This sequence change replaces threonine, which is neutral and polar, with isoleucine, which is neutral and non-polar, at codon 483 of the VCAN protein (p.Thr483Ile). This variant is present in population databases (no rsID available, gnomAD 0.002%). This variant has not been reported in the literature in individuals affected with VCAN-related conditions. ClinVar contains an entry for this variant (Variation ID: 2978843). An algorithm developed to predict the effect of missense changes on protein structure and function outputs the following: PolyPhen-2: "Benign". The isoleucine amino acid residue is found in multiple mammalian species, which suggests that this missense change does not adversely affect protein function. In summary, the available evidence is currently insufficient to determine the role of this variant in disease. Therefore, it has been classified as a Variant of Uncertain Significance.

NM_004385.5(VCAN):c.1448C>T (p.Thr483Ile)

Gene: VCAN (versican; plus strand). Cytogenetic location: 5q14.3.
Variant type: single nucleotide variant.
Coding change: c.1448C>T on transcript NM_004385.5 (MANE Select); coding-DNA position 1448, C replaced by T.
Protein change: p.Thr483Ile; replaces threonine 483 with isoleucine.
Molecular consequence: missense variant. On other transcripts: intron variant (2).
Genome position (GRCh38, 1-based): chr5:83,519,754, C>T. VCF-style: chr5-83519754-C-T. GRCh37 (hg19) VCF-style: chr5-82815573-C-T.
Other names: c.1448C>T, p.Thr483Ile (NM_001164098.2); c.1042+7358C>T (NM_001164097.2, NM_001126336.3); short protein forms T483I.
Identifiers: ClinVar variation 2978843 (VCV002978843.3), dbSNP rs1057083772, ClinGen allele CA121790976.